The following is an entry in ClinVar:

ClinVar aggregate classification (germline): Uncertain significance. Review status: criteria provided, multiple submitters, no conflicts (2 of 4 stars). 4 submissions from 4 submitters: Uncertain significance (4). Last evaluated 2026-07-01.

Conditions:
Arrhythmogenic right ventricular dysplasia 10. Also called: Arrhythmogenic Right Ventricular Dysplasia/Cardiomyopathy10; ARRHYTHMOGENIC RIGHT VENTRICULAR DYSPLASIA, FAMILIAL, 10; Arrhythmogenic right ventricular dysplasia/cardiomyopathy, type 10. Identifiers: MedGen C1857777, MONDO:0012434, OMIM 610193.
Arrhythmogenic right ventricular cardiomyopathy (ARVD). Also called: Arrhythmogenic Right Ventricular Cardiomyopathy (ARVC); Arrhythmogenic cardiomyopathy; Cardiomyopathy, ARVC; Arrhythmogenic right ventricular dysplasia. Identifiers: Orphanet 247, MedGen C0349788, MeSH D019571, MONDO:0016587. Disease mechanism: loss of function. Inheritance: Various modes of inheritance.
Cardiomyopathy (CMYO). Also called: Cardiomyopathies. Identifiers: Orphanet 167848, MedGen C0878544, MONDO:0004994, HP:0001638. Inheritance: Various modes of inheritance.
Cardiovascular phenotype. Identifiers: MedGen CN230736.

Allele frequency attached by ClinVar (database versions not stated): gnomAD 0.00001; gnomAD exomes 0.00001 and below 0.00001; TOPMed below 0.00001; ExAC 0.00001.
gnomAD v4.1: 3 of 1,614,176 alleles (0.00019%); highest among the groups gnomAD compares: Non-Finnish European, 0.00025%; no homozygotes.

Submissions (4):

Ambry Genetics
Classification: Uncertain significance for Cardiovascular phenotype. Last evaluated: 2026-07-01. Review status: criteria provided, single submitter. Criteria: Ambry Variant Classification Scheme 2023. Collection method: clinical testing. Allele origin: germline.
Comment: The p.V1029A variant (also known as c.3086T>C), located in coding exon 15 of the DSG2 gene, results from a T to C substitution at nucleotide position 3086. The valine at codon 1029 is replaced by alanine, an amino acid with similar properties. This amino acid position is conserved. In addition, this alteration is predicted to be tolerated by in silico analysis. Based on the available evidence, the clinical significance of this variant remains unclear.

All of Us Research Program, National Institutes of Health
Classification: Uncertain significance for Arrhythmogenic right ventricular cardiomyopathy. Last evaluated: 2024-07-10. Review status: criteria provided, single submitter. Criteria: ACMG Guidelines, 2015. Collection method: clinical testing. Allele origin: germline. Inheritance: Autosomal dominant inheritance. Observed: 3 variant alleles, 3 heterozygotes.
Comment: This missense variant replaces valine with alanine at codon 1029 of the DSG2 protein. Computational prediction suggests that this variant may not impact protein structure and function (internally defined REVEL score threshold <= 0.5, PMID: 27666373). To our knowledge, functional studies have not been reported for this variant. This variant has not been reported in individuals affected with cardiovascular disorders in the literature. This variant has been identified in 1/249450 chromosomes in the general population by the Genome Aggregation Database (gnomAD). The available evidence is insufficient to determine the role of this variant in disease conclusively. Therefore, this variant is classified as a Variant of Uncertain Significance.

This study involves interpretation of variants in research participants for the purpose of population health screening. Participant phenotype was not available at the time of variant classification. Additional details can be found in publication PMID: 35346344, PMCID: PMC8962531

Color Diagnostics, LLC DBA Color Health
Classification: Uncertain significance for Cardiomyopathy. Last evaluated: 2024-03-06. Review status: criteria provided, single submitter. Criteria: ACMG Guidelines, 2015. Collection method: clinical testing. Allele origin: germline.
Comment: This missense variant replaces valine with alanine at codon 1029 of the DSG2 protein. Computational prediction suggests that this variant may not impact protein structure and function (internally defined REVEL score threshold <= 0.5, PMID: 27666373). To our knowledge, functional studies have not been reported for this variant. This variant has not been reported in individuals affected with DSG2-related disorders in the literature. This variant has been identified in 1/249450 chromosomes in the general population by the Genome Aggregation Database (gnomAD). The available evidence is insufficient to determine the role of this variant in disease conclusively. Therefore, this variant is classified as a Variant of Uncertain Significance.

Labcorp Genetics (formerly Invitae), Labcorp
Classification: Uncertain significance for Arrhythmogenic right ventricular dysplasia 10. Last evaluated: 2024-01-16. Review status: criteria provided, single submitter. Criteria: Invitae Variant Classification Sherloc (09022015). Collection method: clinical testing. Allele origin: germline.
Comment: This sequence change replaces valine, which is neutral and non-polar, with alanine, which is neutral and non-polar, at codon 1029 of the DSG2 protein (p.Val1029Ala). This variant is present in population databases (rs769806198, gnomAD 0.0009%). This variant has not been reported in the literature in individuals affected with DSG2-related conditions. ClinVar contains an entry for this variant (Variation ID: 1171587). Advanced modeling of protein sequence and biophysical properties (such as structural, functional, and spatial information, amino acid conservation, physicochemical variation, residue mobility, and thermodynamic stability) performed at Invitae indicates that this missense variant is not expected to disrupt DSG2 protein function with a negative predictive value of 95%. In summary, the available evidence is currently insufficient to determine the role of this variant in disease. Therefore, it has been classified as a Variant of Uncertain Significance.

NM_001943.5(DSG2):c.3086T>C (p.Val1029Ala)

Genes: DSG2 (desmoglein 2; plus strand), DSG2-AS1 (DSG2 antisense RNA 1; minus strand). Cytogenetic location: 18q12.1.
Variant type: single nucleotide variant.
Coding change: c.3086T>C on transcript NM_001943.5 (MANE Select); coding-DNA position 3086, T replaced by C.
Protein change: p.Val1029Ala; replaces valine 1029 with alanine.
Molecular consequence: missense variant.
Genome position (GRCh38, 1-based): chr18:31,546,472, T>C. VCF-style: chr18-31546472-T-C. GRCh37 (hg19) VCF-style: chr18-29126435-T-C.
Other names: c.3086T>C (NM_001943.3); short protein forms V1029A.
Identifiers: ClinVar variation 1171587 (VCV001171587.13), dbSNP rs769806198, ClinGen allele CA047879.
Genomic context (GRCh38, chr18:31,546,472, plus strand): 5'-AAGATGTACCTTACGTCATGGTGAGGGAAAGAGAGAGCTTCCTTGCCCCCAGCTCAGGTG[T>C]GCAGCCTACTCTGGCCATGCCTAATATAGCAGTAGGACAGAATGTGACAGTGACAGAAAG-3'
Protein context (NP_001934.2, residues 1019-1039): RESFLAPSSG[Val1029Ala]QPTLAMPNIA